The following is an entry in ClinVar:

NM_004360.5(CDH1):c.352A>G (p.Thr118Ala)

Gene: CDH1 (cadherin 1; plus strand). Cytogenetic location: 16q22.1.
Variant type: single nucleotide variant.
Coding change: c.352A>G on transcript NM_004360.5 (MANE Select); coding-DNA position 352, A replaced by G.
Protein change: p.Thr118Ala; replaces threonine 118 with alanine.
Molecular consequence: missense variant. On other transcripts: 5 prime UTR variant (2).
Genome position (GRCh38, 1-based): chr16:68,801,858, A>G. VCF-style: chr16-68801858-A-G. GRCh37 (hg19) VCF-style: chr16-68835761-A-G.
Other names: c.352A>G (LRG_301t1); c.352A>G, p.Thr118Ala (NM_001317184.2); c.-1264A>G (NM_001317185.2); c.-1468A>G (NM_001317186.2); short protein forms T118A.
Identifiers: ClinVar variation 463776 (VCV000463776.10), dbSNP rs1555514476, ClinGen allele CA396457446.

ClinVar aggregate classification (germline): Conflicting classifications of pathogenicity. Review status: criteria provided, conflicting classifications (1 of 4 stars). 2 submissions from 2 submitters: Uncertain significance (1); Likely benign (1). Last evaluated 2024-11-09.

Conditions:
Hereditary cancer-predisposing syndrome. Also called: Hereditary neoplastic syndrome; Neoplastic Syndromes, Hereditary; Tumor predisposition; Hereditary Cancer Syndrome. Identifiers: Orphanet 140162, MedGen C0027672, MeSH D009386, MONDO:0015356.
Hereditary diffuse gastric adenocarcinoma (HDGC). Also called: DIFFUSE GASTRIC AND LOBULAR BREAST CANCER SYNDROME. Identifiers: Orphanet 26106, MedGen C1708349, MONDO:0007648, OMIM 137215.

Submissions (2):

Ambry Genetics
Classification: Likely benign for Hereditary cancer-predisposing syndrome. Last evaluated: 2024-11-09. Review status: criteria provided, single submitter. Criteria: Ambry Variant Classification Scheme 2023. Collection method: clinical testing. Allele origin: germline.

Labcorp Genetics (formerly Invitae), Labcorp
Classification: Uncertain significance for Hereditary diffuse gastric adenocarcinoma. Last evaluated: 2022-01-19. Review status: criteria provided, single submitter. Criteria: Invitae Variant Classification Sherloc (09022015). Collection method: clinical testing. Allele origin: germline.
Comment: This sequence change replaces threonine, which is neutral and polar, with alanine, which is neutral and non-polar, at codon 118 of the CDH1 protein (p.Thr118Ala). In summary, the available evidence is currently insufficient to determine the role of this variant in disease. Therefore, it has been classified as a Variant of Uncertain Significance. Algorithms developed to predict the effect of missense changes on protein structure and function output the following: SIFT: "Tolerated"; PolyPhen-2: "Benign"; Align-GVGD: "Class C0". The alanine amino acid residue is found in multiple mammalian species, which suggests that this missense change does not adversely affect protein function. ClinVar contains an entry for this variant (Variation ID: 463776). This variant has not been reported in the literature in individuals affected with CDH1-related conditions. This variant is not present in population databases (gnomAD no frequency).